The following is an entry in ClinVar:

NM_001958.5(EEF1A2):c.62C>T (p.Ser21Phe)

Gene: EEF1A2 (eukaryotic translation elongation factor 1 alpha 2; minus strand). Cytogenetic location: 20q13.33.
Variant type: single nucleotide variant.
Coding change: c.62C>T on transcript NM_001958.5 (MANE Select); coding-DNA position 62, C replaced by T.
Protein change: p.Ser21Phe; replaces serine 21 with phenylalanine.
Molecular consequence: missense variant.
Genome position (GRCh38, 1-based): chr20:63,497,702, G>A on the plus strand (C>T on the coding strand, the complement: EEF1A2 is on the minus strand). VCF-style: chr20-63497702-G-A. GRCh37 (hg19) VCF-style: chr20-62129055-G-A.
Other names: short protein forms S21F.
Identifiers: ClinVar variation 2101404 (VCV002101404.4), dbSNP rs2516786955, ClinGen allele CA409651857.

ClinVar aggregate classification (germline): Uncertain significance (1 of 4 stars; one submission).

Conditions:
Developmental and epileptic encephalopathy, 33 (DEE33). Also called: Epileptic encephalopathy, early infantile, 33. Identifiers: Orphanet 442835, MedGen C4225337, MONDO:0014625, OMIM 616409.

Submission:

Labcorp Genetics (formerly Invitae), Labcorp
Classification: Uncertain significance for Developmental and epileptic encephalopathy, 33. Last evaluated: 2022-02-22. Review status: criteria provided, single submitter. Criteria: Invitae Variant Classification Sherloc (09022015). Collection method: clinical testing. Allele origin: germline.
Comment: In summary, the available evidence is currently insufficient to determine the role of this variant in disease. Therefore, it has been classified as a Variant of Uncertain Significance. Advanced modeling of protein sequence and biophysical properties (such as structural, functional, and spatial information, amino acid conservation, physicochemical variation, residue mobility, and thermodynamic stability) performed at Invitae indicates that this missense variant is expected to disrupt EEF1A2 protein function. This variant has not been reported in the literature in individuals affected with EEF1A2-related conditions. This variant is not present in population databases (gnomAD no frequency). This sequence change replaces serine, which is neutral and polar, with phenylalanine, which is neutral and non-polar, at codon 21 of the EEF1A2 protein (p.Ser21Phe).